The following is an entry in ClinVar:

ClinVar aggregate classification (germline): Benign (0 of 4 stars; one submission).

Conditions:
MYCBP2-related disorder. Also called: MYCBP2-related condition.

Allele frequency attached by ClinVar (database versions not stated): ExAC 0.00140; 1000 Genomes Project 30x 0.00265; 1000 Genomes Project 0.00280.
gnomAD v4.1: 927 of 1,571,328 alleles (0.059%); highest among the groups gnomAD compares: East Asian, 1.7%; 13 homozygotes.

Submission:

PreventionGenetics, part of Exact Sciences
Classification: Benign for MYCBP2-related condition. Last evaluated: 2019-10-28. Review status: no assertion criteria provided. Collection method: clinical testing. Allele origin: germline.
Comment: This variant is classified as benign based on ACMG/AMP sequence variant interpretation guidelines (Richards et al. 2015 PMID: 25741868, with internal and published modifications).

NM_015057.5(MYCBP2):c.6459+7A>C

Gene: MYCBP2 (MYC binding protein 2; minus strand). Cytogenetic location: 13q22.3.
Variant type: single nucleotide variant.
Coding change: c.6459+7A>C on transcript NM_015057.5 (MANE Select); 7 bases into the intron after coding-DNA position 6459, A replaced by C.
Molecular consequence: intron variant.
Genome position (GRCh38, 1-based): chr13:77,165,266, T>G on the plus strand (A>C on the coding strand, the complement: MYCBP2 is on the minus strand). VCF-style: chr13-77165266-T-G. GRCh37 (hg19) VCF-style: chr13-77739401-T-G.
Identifiers: ClinVar variation 3052866 (VCV003052866.2), dbSNP rs17067276, ClinGen allele CA7009237.